The following is an entry in ClinVar:

ClinVar aggregate classification (germline): Uncertain significance (1 of 4 stars; one submission).

Conditions:
Hereditary cancer-predisposing syndrome. Also called: Hereditary Cancer Syndrome; Neoplastic Syndromes, Hereditary; Tumor predisposition; Hereditary neoplastic syndrome. Identifiers: Orphanet 140162, MedGen C0027672, MeSH D009386, MONDO:0015356.

Submission:

Ambry Genetics
Classification: Uncertain significance for Hereditary cancer-predisposing syndrome. Last evaluated: 2025-10-31. Review status: criteria provided, single submitter. Criteria: Ambry Variant Classification Scheme 2023. Collection method: clinical testing. Allele origin: germline.
Comment: The c.6198+5delA intronic variant, located in intron 41 of the ATM gene, results from a deletion of one nucleotide within intron 41 of the ATM gene. This nucleotide position is not well conserved in available vertebrate species. In silico splice site analysis predicts that this alteration will not have any significant effect on splicing. Based on the available evidence, the clinical significance of this variant remains unclear.

NM_000051.4(ATM):c.6198+5del

Genes: ATM (ATM serine/threonine kinase; plus strand), C11orf65 (chromosome 11 open reading frame 65; minus strand). Cytogenetic location: 11q22.3.
Variant type: Deletion.
Coding change: c.6198+5del on transcript NM_000051.4 (MANE Select); 5 bases into the intron after coding-DNA position 6198, one base deleted (A; older notation c.6198+5delA).
Molecular consequence: intron variant.
Genome position (GRCh38, 1-based): chr11:108,316,118, A deleted. VCF-style (leftmost placement, unchanged base first): chr11-108316117-CA-C. GRCh37 (hg19) VCF-style: chr11-108186844-CA-C.
Other names: c.6198+5del (NM_001351834.2); c.641-7047del (NM_001330368.2); c.*39-7047del (NM_001351110.2).
Identifiers: ClinVar variation 4617847 (VCV004617847.1).